The following is an entry in ClinVar:

ClinVar aggregate classification (germline): Uncertain significance. Review status: criteria provided, multiple submitters, no conflicts (2 of 4 stars). 2 submissions from 2 submitters: Uncertain significance (2). Last evaluated 2026-07-30.

Conditions:
ADCY3-related disorder. Also called: ADCY3-related condition.
Inborn genetic diseases. Identifiers: MedGen C0950123, MeSH D030342.

Allele frequency attached by ClinVar (database versions not stated): gnomAD 0.00001; gnomAD exomes 0.00003; TOPMed 0.00003; ExAC 0.00008; 1000 Genomes Project 30x 0.00016; 1000 Genomes Project 0.00020.

Submissions (2):

PreventionGenetics, part of Exact Sciences
Classification: Uncertain significance for ADCY3-related condition. Last evaluated: 2026-07-30. Review status: criteria provided, single submitter. Criteria: ACMG Guidelines, 2015. Collection method: clinical testing. Allele origin: germline.
Comment: The ADCY3 c.1223G>A variant is predicted to result in the amino acid substitution p.Gly408Glu. To our knowledge, this variant has not been reported in the literature. This variant is reported in 0.055% of alleles in individuals of Latino descent in gnomAD, which is likely too common for an undocumented disease-causing variant. Although we suspect that this variant may be benign, at this time, the clinical significance of this variant is uncertain due to the absence of conclusive functional and genetic evidence.

Ambry Genetics
Classification: Uncertain significance for Inborn genetic diseases. Last evaluated: 2025-01-27. Review status: criteria provided, single submitter. Criteria: Ambry Variant Classification Scheme 2023. Collection method: clinical testing. Allele origin: germline.

NM_004036.5(ADCY3):c.1223G>A (p.Gly408Glu)

Gene: ADCY3 (adenylate cyclase 3; minus strand). Cytogenetic location: 2p23.3.
Variant type: single nucleotide variant.
Coding change: c.1223G>A on transcript NM_004036.5 (MANE Select); coding-DNA position 1223, G replaced by A.
Protein change: p.Gly408Glu; replaces glycine 408 with glutamic acid.
Molecular consequence: missense variant.
Genome position (GRCh38, 1-based): chr2:24,840,005, C>T on the plus strand (G>A on the coding strand, the complement: ADCY3 is on the minus strand). VCF-style: chr2-24840005-C-T. GRCh37 (hg19) VCF-style: chr2-25062874-C-T.
Other names: c.1223G>A, p.Gly408Glu (NM_001320613.2, NM_001377128.1, NM_001377129.1 and 2 more transcripts); c.500G>A, p.Gly167Glu (NM_001377131.1); c.1223G>A (NM_004036.3); short protein forms G167E, G408E.
Identifiers: ClinVar variation 2635697 (VCV002635697.5), dbSNP rs200534458, ClinGen allele CA1554237.